The following is an entry in ClinVar:

NM_000117.3(EMD):c.69C>G (p.His23Gln)

Gene: EMD (emerin; plus strand). Cytogenetic location: Xq28.
Variant type: single nucleotide variant.
Coding change: c.69C>G on transcript NM_000117.3 (MANE Select); coding-DNA position 69, C replaced by G.
Protein change: p.His23Gln; replaces histidine 23 with glutamine.
Molecular consequence: missense variant.
Genome position (GRCh38, 1-based): chrX:154,379,553, C>G. VCF-style: chrX-154379553-C-G. GRCh37 (hg19) VCF-style: chrX-153607913-C-G.
Other names: short protein forms H23Q.
Identifiers: ClinVar variation 1992860 (VCV001992860.4), dbSNP rs1557182208, ClinGen allele CA415257125.

ClinVar aggregate classification (germline): Uncertain significance (1 of 4 stars; one submission).

Conditions:
X-linked Emery-Dreifuss muscular dystrophy. Also called: Muscular dystrophy, tardive Emery-Dreifuss type, with contractures. Identifiers: Orphanet 261, Orphanet 98863, MedGen C0751337, MONDO:0010680.

Submission:

Labcorp Genetics (formerly Invitae), Labcorp
Classification: Uncertain significance for X-linked Emery-Dreifuss muscular dystrophy. Last evaluated: 2022-05-10. Review status: criteria provided, single submitter. Criteria: Invitae Variant Classification Sherloc (09022015). Collection method: clinical testing. Allele origin: germline.
Comment: This variant has not been reported in the literature in individuals affected with EMD-related conditions. In summary, the available evidence is currently insufficient to determine the role of this variant in disease. Therefore, it has been classified as a Variant of Uncertain Significance. Algorithms developed to predict the effect of missense changes on protein structure and function are either unavailable or do not agree on the potential impact of this missense change (SIFT: "Tolerated"; PolyPhen-2: "Probably Damaging"; Align-GVGD: "Class C0"). This variant is not present in population databases (gnomAD no frequency). This sequence change replaces histidine, which is basic and polar, with glutamine, which is neutral and polar, at codon 23 of the EMD protein (p.His23Gln).